The following is an entry in ClinVar:

ClinVar aggregate classification (germline): Uncertain significance (1 of 4 stars; one submission).

Conditions:
Cardiovascular phenotype. Identifiers: MedGen CN230736.

Allele frequency attached by ClinVar (database versions not stated): ExAC 0.00001.
gnomAD v4.1: 1 of 1,614,134 alleles (0.000062%); highest among the groups gnomAD compares: Non-Finnish European, 0.000085%; no homozygotes.

Submission:

Ambry Genetics
Classification: Uncertain significance for Cardiovascular phenotype. Last evaluated: 2023-02-02. Review status: criteria provided, single submitter. Criteria: Ambry Variant Classification Scheme 2023. Collection method: clinical testing. Allele origin: germline.
Comment: The p.T2248K variant (also known as c.6743C>A), located in coding exon 49 of the ABCA1 gene, results from a C to A substitution at nucleotide position 6743. The threonine at codon 2248 is replaced by lysine, an amino acid with similar properties. This amino acid position is not well conserved in available vertebrate species. In addition, this alteration is predicted to be tolerated by in silico analysis. Since supporting evidence is limited at this time, the clinical significance of this alteration remains unclear.

NM_005502.4(ABCA1):c.6743C>A (p.Thr2248Lys)

Genes: ABCA1 (ATP binding cassette subfamily A member 1; minus strand), NIPSNAP3B (nipsnap homolog 3B; plus strand). Cytogenetic location: 9q31.1.
Variant type: single nucleotide variant.
Coding change: c.6743C>A on transcript NM_005502.4 (MANE Select); coding-DNA position 6743, C replaced by A.
Protein change: p.Thr2248Lys; replaces threonine 2248 with lysine.
Molecular consequence: missense variant.
Genome position (GRCh38, 1-based): chr9:104,784,358, G>T on the plus strand (C>A on the coding strand, the complement: ABCA1 is on the minus strand). VCF-style: chr9-104784358-G-T. GRCh37 (hg19) VCF-style: chr9-107546639-G-T.
Other names: short protein forms T2248K.
Identifiers: ClinVar variation 2454041 (VCV002454041.2), dbSNP rs772446983, ClinGen allele CA5167472.